The following is an entry in ClinVar:

NM_001170700.3(DTHD1):c.2705A>G (p.Asp902Gly)

Gene: DTHD1 (death domain containing 1; plus strand). Cytogenetic location: 4p14.
Variant type: single nucleotide variant.
Coding change: c.2705A>G on transcript NM_001170700.3 (MANE Select); coding-DNA position 2705, A replaced by G.
Protein change: p.Asp902Gly; replaces aspartic acid 902 with glycine.
Molecular consequence: missense variant. On other transcripts: non-coding transcript variant (2).
Genome position (GRCh38, 1-based): chr4:36,343,808, A>G. VCF-style: chr4-36343808-A-G. GRCh37 (hg19) VCF-style: chr4-36345430-A-G.
Other names: c.1835A>G, p.Asp612Gly (NM_001136536.5); c.1714A>G, p.Met572Val (NM_001378435.1); short protein forms M572V, D902G, D612G.
Identifiers: ClinVar variation 3657798 (VCV003657798.2).

ClinVar aggregate classification (germline): Uncertain significance (1 of 4 stars; one submission).

Submission:

Labcorp Genetics (formerly Invitae), Labcorp
Classification: Uncertain significance. Last evaluated: 2024-06-25. Review status: criteria provided, single submitter. Criteria: Invitae Variant Classification Sherloc (09022015). Collection method: clinical testing. Allele origin: germline.
Comment: This sequence change replaces aspartic acid, which is acidic and polar, with glycine, which is neutral and non-polar, at codon 612 of the DTHD1 protein (p.Asp612Gly). This variant is not present in population databases (gnomAD no frequency). This variant has not been reported in the literature in individuals affected with DTHD1-related conditions. An algorithm developed to predict the effect of missense changes on protein structure and function (PolyPhen-2) suggests that this variant is likely to be tolerated. In summary, the available evidence is currently insufficient to determine the role of this variant in disease. Therefore, it has been classified as a Variant of Uncertain Significance.